The following is an entry in ClinVar:

ClinVar aggregate classification (germline): Uncertain significance (1 of 4 stars; one submission).

Conditions:
Pancreatic adenocarcinoma. Identifiers: MedGen C0281361, MONDO:0006047, HP:0006725.

Allele frequency attached by ClinVar (database versions not stated): gnomAD 0.00001; gnomAD exomes 0.00001.
gnomAD v4.1: 11 of 1,460,548 alleles (0.00075%); highest among the groups gnomAD compares: Non-Finnish European, 0.00081%; no homozygotes.

Submission:

Labcorp Genetics (formerly Invitae), Labcorp
Classification: Uncertain significance for Pancreatic adenocarcinoma. Last evaluated: 2024-09-29. Review status: criteria provided, single submitter. Criteria: Invitae Variant Classification Sherloc (09022015). Collection method: clinical testing. Allele origin: germline.
Comment: This sequence change replaces phenylalanine, which is neutral and non-polar, with valine, which is neutral and non-polar, at codon 61 of the PALLD protein (p.Phe61Val). This variant is present in population databases (no rsID available, gnomAD 0.003%). This variant has not been reported in the literature in individuals affected with PALLD-related conditions. ClinVar contains an entry for this variant (Variation ID: 948258). An algorithm developed to predict the effect of missense changes on protein structure and function (PolyPhen-2) suggests that this variant is likely to be tolerated. In summary, the available evidence is currently insufficient to determine the role of this variant in disease. Therefore, it has been classified as a Variant of Uncertain Significance.

NM_001166108.2(PALLD):c.1965-12850T>G

Gene: PALLD (palladin, cytoskeletal associated protein; plus strand). Cytogenetic location: 4q32.3.
Variant type: single nucleotide variant.
Coding change: c.1965-12850T>G on transcript NM_001166108.2 (MANE Select); 12850 bases into the intron before coding-DNA position 1965, T replaced by G.
Molecular consequence: intron variant. On other transcripts: missense variant (1).
Genome position (GRCh38, 1-based): chr4:168,878,072, T>G. VCF-style: chr4-168878072-T-G. GRCh37 (hg19) VCF-style: chr4-169799223-T-G.
Other names: c.181T>G, p.Phe61Val (NM_001166110.2); c.1965-12850T>G (NM_016081.4); c.819-12850T>G (NM_001166109.2); c.-157-12850T>G (NM_001367570.1, NM_001367568.1, NM_001367567.1 and 1 more transcripts); short protein forms F61V.
Identifiers: ClinVar variation 948258 (VCV000948258.9), dbSNP rs957770223, ClinGen allele CA110515930.
Genomic context (GRCh38, chr4:168,878,072, plus strand): 5'-CCGGCCTCCAGCCCCAGCTCGTCCAGCCTCCCGTCGCCCATGTCCCCGACGCCGAGGCAG[T>G]TCGGCCGCGCCCCCGTGCCGCCCTTCGCGCAGCCCTTCGGCGCTGAGCCCGAGGCCCCGT-3'